The following is an entry in ClinVar:

NM_004448.4(ERBB2):c.649C>T (p.Arg217Cys)

Gene: ERBB2 (erb-b2 receptor tyrosine kinase 2; plus strand). Cytogenetic location: 17q12.
Variant type: single nucleotide variant.
Coding change: c.649C>T on transcript NM_004448.4 (MANE Select); coding-DNA position 649, C replaced by T.
Protein change: p.Arg217Cys; replaces arginine 217 with cysteine.
Molecular consequence: missense variant. On other transcripts: non-coding transcript variant (1), intron variant (2).
Genome position (GRCh38, 1-based): chr17:39,710,091, C>T. VCF-style: chr17-39710091-C-T. GRCh37 (hg19) VCF-style: chr17-37866344-C-T.
Other names: c.559C>T, p.Arg187Cys (NM_001005862.3, NM_001289938.2, NM_001382782.1 and 1 more transcripts); c.604C>T, p.Arg202Cys (NM_001289936.2); c.649C>T, p.Arg217Cys (NM_001289937.2, NM_001382784.1, NM_001382785.1 and 16 more transcripts); c.724C>T, p.Arg242Cys (NM_001382787.1); c.640C>T, p.Arg214Cys (NM_001382791.1); c.643+210C>T (NM_001382802.1); c.74-1837C>T (NM_001382804.1); c.469C>T, p.Arg157Cys (NM_001382799.1); short protein forms R202C, R157C, R187C, R242C, R214C, R217C.
Identifiers: ClinVar variation 1446943 (VCV001446943.9), dbSNP rs768151310, ClinGen allele CA8533704.

ClinVar aggregate classification (germline): Uncertain significance. Review status: criteria provided, multiple submitters, no conflicts (2 of 4 stars). 2 submissions from 2 submitters: Uncertain significance (2). Last evaluated 2025-05-02.

Conditions:
Glioma susceptibility 1 (GLM1). Also called: Glioblastoma, somatic. Identifiers: MedGen C2750850, MONDO:0024498, OMIM 137800.
Gastric cancer. Also called: Malignant tumor of stomach; Stomach cancer. Identifiers: MedGen C0024623, MeSH D013274, MONDO:0001056, OMIM 613659, HP:0012126.
Ovarian cancer. Also called: OVARIAN CANCER, SOMATIC. Identifiers: Orphanet 213500, MedGen C1140680, MONDO:0008170, OMIM 167000.
Lung cancer. Also called: Lung cancer, somatic; Malignant tumor of lung. Identifiers: MedGen C0242379, MONDO:0008903, OMIM 211980.
Visceral neuropathy, familial, 2, autosomal recessive. Identifiers: MedGen C5561950, MONDO:0030399, OMIM 619465.

Allele frequency attached by ClinVar (database versions not stated): gnomAD 0.00001; TOPMed 0.00004; ExAC 0.00007; gnomAD exomes 0.00009.
gnomAD v4.1: 53 of 1,606,402 alleles (0.0033%); highest among the groups gnomAD compares: Admixed American, 0.027%; no homozygotes.

Submissions (2):

Labcorp Genetics (formerly Invitae), Labcorp
Classification: Uncertain significance. Last evaluated: 2025-05-02. Review status: criteria provided, single submitter. Criteria: Invitae Variant Classification Sherloc (09022015). Collection method: clinical testing. Allele origin: germline.
Comment: This sequence change replaces arginine, which is basic and polar, with cysteine, which is neutral and slightly polar, at codon 217 of the ERBB2 protein (p.Arg217Cys). This variant is present in population databases (rs768151310, gnomAD 0.04%). This variant has not been reported in the literature in individuals affected with ERBB2-related conditions. ClinVar contains an entry for this variant (Variation ID: 1446943). Invitae Evidence Modeling of protein sequence and biophysical properties (such as structural, functional, and spatial information, amino acid conservation, physicochemical variation, residue mobility, and thermodynamic stability) indicates that this missense variant is expected to disrupt ERBB2 protein function with a positive predictive value of 80%. In summary, the available evidence is currently insufficient to determine the role of this variant in disease. Therefore, it has been classified as a Variant of Uncertain Significance.

Fulgent Genetics
Classification: Uncertain significance for Glioma susceptibility 1; Ovarian cancer; Lung cancer; Gastric cancer; Visceral neuropathy, familial, 2, autosomal recessive. Last evaluated: 2024-06-14. Review status: criteria provided, single submitter. Criteria: ACMG Guidelines, 2015. Collection method: clinical testing. Allele origin: germline.